The following is an entry in ClinVar:

ClinVar aggregate classification (germline): Pathogenic/Likely pathogenic. Review status: criteria provided, multiple submitters, no conflicts (2 of 4 stars). 3 submissions from 3 submitters: Pathogenic (1); Likely pathogenic (2). Last evaluated 2024-03-04.

Conditions:
Fanconi anemia complementation group E (FANCE). Also called: FANCE-Related Fanconi Anemia. Identifiers: Orphanet 84, MedGen C3160739, MONDO:0010953, OMIM 600901.

Allele frequency attached by ClinVar (database versions not stated): gnomAD exomes below 0.00001; ExAC 0.00001.

Submissions (3):

Fulgent Genetics
Classification: Likely pathogenic for Fanconi anemia complementation group E. Last evaluated: 2024-03-04. Review status: criteria provided, single submitter. Criteria: ACMG Guidelines, 2015. Collection method: clinical testing. Allele origin: germline.

Baylor Genetics
Classification: Likely pathogenic for Fanconi anemia complementation group E. Last evaluated: 2023-12-13. Review status: criteria provided, single submitter. Criteria: ACMG Guidelines, 2015. Collection method: clinical testing. Allele origin: unknown.

Labcorp Genetics (formerly Invitae), Labcorp
Classification: Pathogenic for Fanconi anemia complementation group E. Last evaluated: 2023-04-26. Review status: criteria provided, single submitter. Criteria: Invitae Variant Classification Sherloc (09022015). Collection method: clinical testing. Allele origin: germline.
Comment: This sequence change creates a premature translational stop signal (p.Ser180Profs*116) in the FANCE gene. It is expected to result in an absent or disrupted protein product. Loss-of-function variants in FANCE are known to be pathogenic (PMID: 11001585, 17924555). This variant is present in population databases (rs747113644, gnomAD 0.003%). This variant has not been reported in the literature in individuals affected with FANCE-related conditions. For these reasons, this variant has been classified as Pathogenic.

Literature cited by the submitters: PubMed 11001585 (cited by Labcorp Genetics (formerly Invitae), Labcorp); PubMed 17924555 (cited by Labcorp Genetics (formerly Invitae), Labcorp).

NM_021922.3(FANCE):c.538del (p.Ser180fs)

Gene: FANCE (FA complementation group E; plus strand). Cytogenetic location: 6p21.31.
Variant type: Deletion.
Coding change: c.538del on transcript NM_021922.3 (MANE Select); coding-DNA position 538, one base deleted (T; older notation c.538delT).
Protein change: p.Ser180fs; shifts the reading frame from serine 180.
Molecular consequence: frameshift variant.
Genome position (GRCh38, 1-based): chr6:35,456,036, T deleted. VCF-style (leftmost placement, unchanged base first): chr6-35456035-AT-A. GRCh37 (hg19) VCF-style: chr6-35423812-AT-A.
Other names: c.538del, p.Ser180fs (NM_001410876.1); short protein forms S180fs.
Identifiers: ClinVar variation 2675532 (VCV002675532.6), dbSNP rs747113644, ClinGen allele CA3771434.